The following is an entry in ClinVar:

NM_001080510.5(METTL23):c.496G>A (p.Asp166Asn)

Gene: METTL23 (methyltransferase 23, arginine; plus strand). Cytogenetic location: 17q25.1.
Variant type: single nucleotide variant.
Coding change: c.496G>A on transcript NM_001080510.5 (MANE Select); coding-DNA position 496, G replaced by A.
Protein change: p.Asp166Asn; replaces aspartic acid 166 with asparagine.
Molecular consequence: missense variant. On other transcripts: non-coding transcript variant (1).
Genome position (GRCh38, 1-based): chr17:76,733,609, G>A. VCF-style: chr17-76733609-G-A. GRCh37 (hg19) VCF-style: chr17-74729691-G-A.
Other names: c.484G>A, p.Asp162Asn (NM_001378352.1, NM_001378353.1, NM_001302705.2 and 2 more transcripts); c.295G>A, p.Asp99Asn (NM_001378354.1, NM_001206985.3, NM_001206986.3 and 2 more transcripts); c.496G>A, p.Asp166Asn (NM_001206983.3, NM_001206984.3, NM_001302703.2 and 2 more transcripts); short protein forms D166N, D99N, D162N.
Identifiers: ClinVar variation 252569 (VCV000252569.44), dbSNP rs138247613, ClinGen allele CA8790223.

ClinVar aggregate classification (germline): Benign/Likely benign. Review status: criteria provided, multiple submitters, no conflicts (2 of 4 stars). 5 submissions from 5 submitters: Benign (3); Likely benign (2). Last evaluated 2026-09-01.

Allele frequency attached by ClinVar (database versions not stated): 1000 Genomes Project 0.00359; 1000 Genomes Project 30x 0.00359; gnomAD 0.00577 and 0.00593; ExAC 0.00625; TOPMed 0.00647; ESP Exome Variant Server 0.00700.
gnomAD v4.1: 12,097 of 1,613,814 alleles (0.75%); highest among the groups gnomAD compares: Non-Finnish European, 0.9%; 49 homozygotes.

Submissions (5):

CeGaT Center for Human Genetics Tuebingen
Classification: Likely benign. Last evaluated: 2026-09-01. Review status: criteria provided, single submitter. Criteria: CeGaT Center For Human Genetics Tuebingen Variant Classification Criteria Version 2. Collection method: clinical testing. Allele origin: germline. Affected: yes. Observed: 44 variant alleles.
Comment: METTL23: BP4, BS2

Genetic Services Laboratory, University of Chicago
Classification: Benign. Last evaluated: 2020-08-21. Review status: criteria provided, single submitter. Criteria: ACMG Guidelines, 2015. Collection method: clinical testing. Allele origin: germline. Affected: no.

Labcorp Genetics (formerly Invitae), Labcorp
Classification: Benign. Last evaluated: 2019-12-31. Review status: criteria provided, single submitter. Criteria: Invitae Variant Classification Sherloc (09022015). Collection method: clinical testing. Allele origin: germline.

Genomic Diagnostic Laboratory, Division of Genomic Diagnostics, Children's Hospital of Philadelphia
Classification: Benign. Last evaluated: 2015-11-16. Review status: criteria provided, single submitter. Criteria: DGD Variant Analysis Guidelines. Collection method: clinical testing. Allele origin: unknown.

Breakthrough Genomics
Classification: Likely benign. Review status: criteria provided, single submitter. Criteria: ACMG Guidelines, 2015. Collection method: not provided. Allele origin: germline. Inheritance: Autosomal recessive inheritance. Affected: yes.